The following is an entry in ClinVar:

ClinVar aggregate classification (germline): Likely benign (1 of 4 stars; one submission).

Submission:

CeGaT Center for Human Genetics Tuebingen
Classification: Likely benign. Last evaluated: 2026-09-01. Review status: criteria provided, single submitter. Criteria: CeGaT Center For Human Genetics Tuebingen Variant Classification Criteria Version 2. Collection method: clinical testing. Allele origin: germline. Affected: yes. Observed: 2 variant alleles.
Comment: CLCNKB: BP4, BS2

NM_000085.5(CLCNKB):c.1930-30C>G

Genes: CLCNKB (chloride voltage-gated channel Kb; plus strand), LOC106501713 (CLCNKB recombination region; plus strand). Cytogenetic location: 1p36.13.
Variant type: single nucleotide variant.
Coding change: c.1930-30C>G on transcript NM_000085.5 (MANE Select); 30 bases into the intron before coding-DNA position 1930, C replaced by G.
Molecular consequence: intron variant.
Genome position (GRCh38, 1-based): chr1:16,056,392, C>G. VCF-style: chr1-16056392-C-G. GRCh37 (hg19) VCF-style: chr1-16382887-C-G.
Other names: c.1420-30C>G (NM_001165945.2).
Identifiers: ClinVar variation 4872039 (VCV004872039.2).